The following is an entry in ClinVar:

ClinVar aggregate classification (germline): Likely benign. Review status: criteria provided, multiple submitters, no conflicts (2 of 4 stars). 2 submissions from 2 submitters: Likely benign (2). Last evaluated 2024-08-29.

Allele frequency attached by ClinVar (database versions not stated): gnomAD 0.00001; gnomAD exomes 0.00001.
gnomAD v4.1: 13 of 1,462,330 alleles (0.00089%); highest among the groups gnomAD compares: Non-Finnish European, 0.0012%; no homozygotes.

Submissions (2):

Labcorp Genetics (formerly Invitae), Labcorp
Classification: Likely benign. Last evaluated: 2024-08-29. Review status: criteria provided, single submitter. Criteria: Invitae Variant Classification Sherloc (09022015). Collection method: clinical testing. Allele origin: germline.

CeGaT Center for Human Genetics Tuebingen
Classification: Likely benign. Last evaluated: 2022-10-01. Review status: criteria provided, single submitter. Criteria: CeGaT Center For Human Genetics Tuebingen Variant Classification Criteria Version 2. Collection method: clinical testing. Allele origin: germline. Affected: yes. Observed: 1 variant allele.
Comment: SON: BP4, BP7

NM_138927.4(SON):c.5901C>T (p.Pro1967=)

Gene: SON (SON DNA and RNA binding protein; plus strand). Cytogenetic location: 21q22.11.
Variant type: single nucleotide variant.
Coding change: c.5901C>T on transcript NM_138927.4 (MANE Select); coding-DNA position 5901, C replaced by T.
Protein change: p.Pro1967=; no amino-acid change (proline 1967 retained).
Molecular consequence: synonymous variant. On other transcripts: non-coding transcript variant (1), intron variant (1).
Genome position (GRCh38, 1-based): chr21:33,555,132, C>T. VCF-style: chr21-33555132-C-T. GRCh37 (hg19) VCF-style: chr21-34927438-C-T.
Other names: c.5901C>T, p.Pro1967= (NM_001291411.2, NM_001412133.1, NM_032195.3 and 2 more transcripts); c.245-2024C>T (NM_001291412.3).
Identifiers: ClinVar variation 2413963 (VCV002413963.31), dbSNP rs894425905, ClinGen allele CA320154804.